The following is an entry in ClinVar:

ClinVar aggregate classification (germline): Uncertain significance (1 of 4 stars; one submission).

Conditions:
Cone-rod dystrophy 2 (CORD2). Also called: CONE-ROD RETINAL DYSTROPHY; Cone-rod retinal dystrophy 2. Identifiers: Orphanet 1872, MedGen C3489532, MONDO:0007362, OMIM 120970.
Leber congenital amaurosis 7 (LCA7). Identifiers: Orphanet 65, MedGen C3151192, MONDO:0013449, OMIM 613829.

Submission:

Labcorp Genetics (formerly Invitae), Labcorp
Classification: Uncertain significance for Cone-rod dystrophy 2; Leber congenital amaurosis 7. Last evaluated: 2020-10-20. Review status: criteria provided, single submitter. Criteria: Invitae Variant Classification Sherloc (09022015). Collection method: clinical testing. Allele origin: germline.
Comment: This sequence change replaces lysine with glutamic acid at codon 88 of the CRX protein (p.Lys88Glu). The lysine residue is highly conserved and there is a small physicochemical difference between lysine and glutamic acid. This variant is not present in population databases (ExAC no frequency). In summary, the available evidence is currently insufficient to determine the role of this variant in disease. Therefore, it has been classified as a Variant of Uncertain Significance. This variant disrupts the p.Lys88 amino acid residue in CRX. Other variant(s) that disrupt this residue have been determined to be pathogenic (PMID: 20513135). This suggests that this residue is clinically significant, and that variants that disrupt this residue are likely to be disease-causing. Algorithms developed to predict the effect of missense changes on protein structure and function (SIFT, PolyPhen-2, Align-GVGD) all suggest that this variant is likely to be disruptive, but these predictions have not been confirmed by published functional studies and their clinical significance is uncertain. This variant has not been reported in the literature in individuals with CRX-related conditions.

Literature cited by the submitters: PubMed 20513135.

NM_000554.6(CRX):c.262A>G (p.Lys88Glu)

Gene: CRX (cone-rod homeobox; plus strand). Cytogenetic location: 19q13.33.
Variant type: single nucleotide variant.
Coding change: c.262A>G on transcript NM_000554.6 (MANE Select); coding-DNA position 262, A replaced by G.
Protein change: p.Lys88Glu; replaces lysine 88 with glutamic acid.
Molecular consequence: missense variant.
Genome position (GRCh38, 1-based): chr19:47,839,329, A>G. VCF-style: chr19-47839329-A-G. GRCh37 (hg19) VCF-style: chr19-48342586-A-G.
Other names: short protein forms K88E.
Identifiers: ClinVar variation 1038809 (VCV001038809.8), dbSNP rs1968160874, ClinGen allele CA406630266.